The following is an entry in ClinVar:

NM_000539.3(RHO):c.1043C>T (p.Ala348Val)

Gene: RHO (rhodopsin; plus strand). Cytogenetic location: 3q22.1.
Variant type: single nucleotide variant.
Coding change: c.1043C>T on transcript NM_000539.3 (MANE Select); coding-DNA position 1043, C replaced by T.
Protein change: p.Ala348Val; replaces alanine 348 with valine.
Molecular consequence: missense variant.
Genome position (GRCh38, 1-based): chr3:129,533,714, C>T. VCF-style: chr3-129533714-C-T. GRCh37 (hg19) VCF-style: chr3-129252557-C-T.
Other names: short protein forms A348V.
Identifiers: ClinVar variation 1374402 (VCV001374402.6), dbSNP rs1187838977, ClinGen allele CA354471285.

ClinVar aggregate classification (germline): Uncertain significance (1 of 4 stars; one submission).

Submission:

Labcorp Genetics (formerly Invitae), Labcorp
Classification: Uncertain significance. Last evaluated: 2022-06-13. Review status: criteria provided, single submitter. Criteria: Invitae Variant Classification Sherloc (09022015). Collection method: clinical testing. Allele origin: germline.
Comment: This sequence change replaces alanine, which is neutral and non-polar, with valine, which is neutral and non-polar, at codon 348 of the RHO protein (p.Ala348Val). This variant is not present in population databases (gnomAD no frequency). This variant has not been reported in the literature in individuals affected with RHO-related conditions. Advanced modeling of protein sequence and biophysical properties (such as structural, functional, and spatial information, amino acid conservation, physicochemical variation, residue mobility, and thermodynamic stability) performed at Invitae indicates that this missense variant is not expected to disrupt RHO protein function. In summary, the available evidence is currently insufficient to determine the role of this variant in disease. Therefore, it has been classified as a Variant of Uncertain Significance.